The following is an entry in ClinVar:

ClinVar aggregate classification (germline): Uncertain significance (1 of 4 stars; one submission).

Conditions:
Cataract 14 multiple types. Also called: CATARACT 14, COPPOCK-LIKE; CATARACT 14, ZONULAR PULVERULENT; CATARACT 14, NUCLEAR PULVERULENT; CATARACT 14, NUCLEAR PULVERULENT AND POSTERIOR POLAR; CATARACT 14, NUCLEAR CORALLIFORM; CATARACT 14, EMBRYONAL NUCLEAR. Identifiers: Orphanet 91492, MedGen C1866078, MONDO:0011162, OMIM 601885.

Allele frequency attached by ClinVar (database versions not stated): gnomAD exomes below 0.00001.

Submission:

Labcorp Genetics (formerly Invitae), Labcorp
Classification: Uncertain significance for Cataract 14 multiple types. Last evaluated: 2022-04-18. Review status: criteria provided, single submitter. Criteria: Invitae Variant Classification Sherloc (09022015). Collection method: clinical testing. Allele origin: germline.
Comment: In summary, the available evidence is currently insufficient to determine the role of this variant in disease. Therefore, it has been classified as a Variant of Uncertain Significance. Algorithms developed to predict the effect of missense changes on protein structure and function (SIFT, PolyPhen-2, Align-GVGD) all suggest that this variant is likely to be tolerated. This variant has not been reported in the literature in individuals affected with GJA3-related conditions. The frequency data for this variant in the population databases is considered unreliable, as metrics indicate poor data quality at this position in the gnomAD database. This sequence change replaces alanine, which is neutral and non-polar, with threonine, which is neutral and polar, at codon 350 of the GJA3 protein (p.Ala350Thr).

NM_021954.4(GJA3):c.1048G>A (p.Ala350Thr)

Gene: GJA3 (gap junction protein alpha 3; minus strand). Cytogenetic location: 13q12.11.
Variant type: single nucleotide variant.
Coding change: c.1048G>A on transcript NM_021954.4 (MANE Select); coding-DNA position 1048, G replaced by A.
Protein change: p.Ala350Thr; replaces alanine 350 with threonine.
Molecular consequence: missense variant.
Genome position (GRCh38, 1-based): chr13:20,142,241, C>T on the plus strand (G>A on the coding strand, the complement: GJA3 is on the minus strand). VCF-style: chr13-20142241-C-T. GRCh37 (hg19) VCF-style: chr13-20716380-C-T.
Other names: short protein forms A350T.
Identifiers: ClinVar variation 2142908 (VCV002142908.4), dbSNP rs1439165577, ClinGen allele CA387462884.